The following is an entry in ClinVar:

NM_005461.5(MAFB):c.579C>A (p.His193Gln)

Gene: MAFB (MAF bZIP transcription factor B; minus strand). Cytogenetic location: 20q12.
Variant type: single nucleotide variant.
Coding change: c.579C>A on transcript NM_005461.5 (MANE Select); coding-DNA position 579, C replaced by A.
Protein change: p.His193Gln; replaces histidine 193 with glutamine.
Molecular consequence: missense variant.
Genome position (GRCh38, 1-based): chr20:40,688,272, G>T on the plus strand (C>A on the coding strand, the complement: MAFB is on the minus strand). VCF-style: chr20-40688272-G-T. GRCh37 (hg19) VCF-style: chr20-39316912-G-T.
Other names: short protein forms H193Q.
Identifiers: ClinVar variation 4697616 (VCV004697616.1).

ClinVar aggregate classification (germline): Uncertain significance (1 of 4 stars; one submission).

Submission:

Labcorp Genetics (formerly Invitae), Labcorp
Classification: Uncertain significance. Last evaluated: 2025-10-09. Review status: criteria provided, single submitter. Criteria: Invitae Variant Classification Sherloc (09022015). Collection method: clinical testing. Allele origin: germline.
Comment: This sequence change replaces histidine, which is basic and polar, with glutamine, which is neutral and polar, at codon 193 of the MAFB protein (p.His193Gln). This variant is present in population databases (rs563409960, gnomAD 0.004%). This variant has not been reported in the literature in individuals affected with MAFB-related conditions. Invitae Evidence Modeling of protein sequence and biophysical properties (such as structural, functional, and spatial information, amino acid conservation, physicochemical variation, residue mobility, and thermodynamic stability) indicates that this missense variant is not expected to disrupt MAFB protein function with a negative predictive value of 95%. In summary, the available evidence is currently insufficient to determine the role of this variant in disease. Therefore, it has been classified as a Variant of Uncertain Significance.